The following is an entry in ClinVar:

ClinVar aggregate classification (germline): Uncertain significance (1 of 4 stars; one submission).

Submission:

GeneDx
Classification: Uncertain significance. Last evaluated: 2024-05-06. Review status: criteria provided, single submitter. Criteria: GeneDx Variant Classification Process June 2021. Collection method: clinical testing. Allele origin: germline. Affected: yes.
Comment: Not observed at significant frequency in large population cohorts (gnomAD); In silico analysis supports that this missense variant has a deleterious effect on protein structure/function; In silico analysis supports a deleterious effect on splicing; Has not been previously published as pathogenic or benign to our knowledge

NM_000829.4(GRIA4):c.1459G>A (p.Gly487Arg)

Gene: GRIA4 (glutamate ionotropic receptor AMPA type subunit 4; plus strand). Cytogenetic location: 11q22.3.
Variant type: single nucleotide variant.
Coding change: c.1459G>A on transcript NM_000829.4 (MANE Select); coding-DNA position 1459, G replaced by A.
Protein change: p.Gly487Arg; replaces glycine 487 with arginine.
Molecular consequence: missense variant. On other transcripts: non-coding transcript variant (1).
Genome position (GRCh38, 1-based): chr11:105,918,901, G>A. VCF-style: chr11-105918901-G-A. GRCh37 (hg19) VCF-style: chr11-105789627-G-A.
Other names: c.1459G>A, p.Gly487Arg (NM_001077243.3); short protein forms G487R.
Identifiers: ClinVar variation 3376112 (VCV003376112.1).
Genomic context (GRCh38, chr11:105,918,901, plus strand): 5'-GTCCCTGATGGAAAATATGGAGCAAGGGATGCAGACACAAAAATCTGGAATGGGATGGTA[G>A]GAGAACTTGTTTATGGGGTAAGCAAATCAACTTATTGAAGAATTTACTTACATACACCTG-3'
Protein context (NP_000820.4, residues 477-497): ADTKIWNGMV[Gly487Arg]ELVYGKAEIA